The following is an entry in ClinVar:

NM_014319.5(LEMD3):c.2053C>A (p.Gln685Lys)

Gene: LEMD3 (LEM domain containing 3; plus strand). Cytogenetic location: 12q14.3.
Variant type: single nucleotide variant.
Coding change: c.2053C>A on transcript NM_014319.5 (MANE Select); coding-DNA position 2053, C replaced by A.
Protein change: p.Gln685Lys; replaces glutamine 685 with lysine.
Molecular consequence: missense variant.
Genome position (GRCh38, 1-based): chr12:65,240,165, C>A. VCF-style: chr12-65240165-C-A. GRCh37 (hg19) VCF-style: chr12-65633945-C-A.
Other names: c.2050C>A, p.Gln684Lys (NM_001167614.2); short protein forms Q684K, Q685K.
Identifiers: ClinVar variation 1521282 (VCV001521282.6), dbSNP rs2136354815, ClinGen allele CA385672254.

ClinVar aggregate classification (germline): Uncertain significance (1 of 4 stars; one submission).

Allele frequency attached by ClinVar (database versions not stated): gnomAD exomes below 0.00001.
gnomAD v4.1: 4 of 1,613,512 alleles (0.00025%); highest among the groups gnomAD compares: Non-Finnish European, 0.00025%; no homozygotes.

Submission:

Labcorp Genetics (formerly Invitae), Labcorp
Classification: Uncertain significance. Last evaluated: 2022-01-13. Review status: criteria provided, single submitter. Criteria: Invitae Variant Classification Sherloc (09022015). Collection method: clinical testing. Allele origin: germline.
Comment: In summary, the available evidence is currently insufficient to determine the role of this variant in disease. Therefore, it has been classified as a Variant of Uncertain Significance. Algorithms developed to predict the effect of missense changes on protein structure and function are either unavailable or do not agree on the potential impact of this missense change (SIFT: "Tolerated"; PolyPhen-2: "Possibly Damaging"; Align-GVGD: "Class C0"). This variant has not been reported in the literature in individuals affected with LEMD3-related conditions. This variant is not present in population databases (gnomAD no frequency). This sequence change replaces glutamine, which is neutral and polar, with lysine, which is basic and polar, at codon 685 of the LEMD3 protein (p.Gln685Lys).